The following is an entry in ClinVar:

ClinVar aggregate classification (germline): Benign. Review status: criteria provided, multiple submitters, no conflicts (2 of 4 stars). 2 submissions from 2 submitters: Benign (2). Last evaluated 2018-06-14.

Allele frequency attached by ClinVar (database versions not stated): 1000 Genomes Project 0.04353; gnomAD 0.04447 and 0.04619; 1000 Genomes Project 30x 0.04700; TOPMed 0.04863.
gnomAD v4.1: 6,749 of 152,232 alleles (4.4%); highest among the groups gnomAD compares: African/African-American, 8.9%; 230 homozygotes.

Submissions (2):

GeneDx
Classification: Benign. Last evaluated: 2018-06-14. Review status: criteria provided, single submitter. Criteria: GeneDx Variant Classification (06012015). Collection method: clinical testing. Allele origin: germline. Affected: yes.
Comment: This variant is considered likely benign or benign based on one or more of the following criteria: it is a conservative change, it occurs at a poorly conserved position in the protein, it is predicted to be benign by multiple in silico algorithms, and/or has population frequency not consistent with disease.

Breakthrough Genomics
Classification: Benign. Review status: criteria provided, single submitter. Criteria: ACMG Guidelines, 2015. Collection method: not provided. Allele origin: germline. Inheritance: Autosomal dominant inheritance. Affected: yes.

NM_144573.4(NEXN):c.27+220A>C

Gene: NEXN (nexilin F-actin binding protein; plus strand). Cytogenetic location: 1p31.1.
Variant type: single nucleotide variant.
Coding change: c.27+220A>C on transcript NM_144573.4 (MANE Select); 220 bases into the intron after coding-DNA position 27, A replaced by C.
Molecular consequence: intron variant.
Genome position (GRCh38, 1-based): chr1:77,916,353, A>C. VCF-style: chr1-77916353-A-C. GRCh37 (hg19) VCF-style: chr1-78382038-A-C.
Other names: c.27+220A>C (NM_001172309.2).
Identifiers: ClinVar variation 674339 (VCV000674339.2), dbSNP rs74092331, ClinGen allele CA24704748.